The following is an entry in ClinVar:

ClinVar aggregate classification (germline): Uncertain significance (1 of 4 stars; one submission).

Conditions:
Neurofibromatosis, type 2 (SWNV). Also called: NF2-Related Schwannomatosis; SCHWANNOMATOSIS, VESTIBULAR; BILATERAL ACOUSTIC NEUROFIBROMATOSIS. Identifiers: Orphanet 637, MedGen C0027832, MONDO:0007039, OMIM 101000. Disease mechanism: loss of function.

Submission:

Labcorp Genetics (formerly Invitae), Labcorp
Classification: Uncertain significance for Neurofibromatosis, type 2. Last evaluated: 2023-02-23. Review status: criteria provided, single submitter. Criteria: Invitae Variant Classification Sherloc (09022015). Collection method: clinical testing. Allele origin: germline.
Comment: In summary, the available evidence is currently insufficient to determine the role of this variant in disease. Therefore, it has been classified as a Variant of Uncertain Significance. Algorithms developed to predict the effect of sequence changes on RNA splicing suggest that this variant may create or strengthen a splice site. This variant has not been reported in the literature in individuals affected with NF2-related conditions. This variant is not present in population databases (gnomAD no frequency). This sequence change affects codon 220 of the NF2 mRNA. It is a 'silent' change, meaning that it does not change the encoded amino acid sequence of the NF2 protein.

NM_000268.4(NF2):c.660C>T (p.Asn220=)

Gene: NF2 (NF2, moesin-ezrin-radixin like (MERLIN) tumor suppressor; plus strand). Cytogenetic location: 22q12.2.
Variant type: single nucleotide variant.
Coding change: c.660C>T on transcript NM_000268.4 (MANE Select); coding-DNA position 660, C replaced by T.
Protein change: p.Asn220=; no amino-acid change (asparagine 220 retained).
Molecular consequence: synonymous variant. On other transcripts: intron variant (1).
Genome position (GRCh38, 1-based): chr22:29,658,249, C>T. VCF-style: chr22-29658249-C-T. GRCh37 (hg19) VCF-style: chr22-30054238-C-T.
Other names: c.546C>T, p.Asn182= (NM_001407053.1, NM_001407056.1); c.537C>T, p.Asn179= (NM_001407054.1, NM_001407058.1, NM_001407062.1 and 1 more transcripts); c.534C>T, p.Asn178= (NM_001407055.1, NM_181828.3); c.660C>T, p.Asn220= (NM_001407057.1, NM_001407059.1, NM_001407060.1 and 4 more transcripts); c.411C>T, p.Asn137= (NM_001407063.1, NM_001407064.1, NM_181830.3 and 1 more transcripts); c.126C>T, p.Asn42= (NM_001407065.1); c.429C>T, p.Asn143= (NM_001407067.1); c.447+15964C>T (NM_181833.3).
Identifiers: ClinVar variation 1920311 (VCV001920311.5), dbSNP rs2146990712, ClinGen allele CA514182814.